The following is an entry in ClinVar:

ClinVar aggregate classification (germline): Uncertain significance. Review status: criteria provided, multiple submitters, no conflicts (2 of 4 stars). 3 submissions from 3 submitters: Uncertain significance (3). Last evaluated 2022-02-03.

Conditions:
Familial thoracic aortic aneurysm and aortic dissection (TAAD). Also called: Thoracic aortic aneurysms and dissections. Identifiers: Orphanet 91387, MedGen C4707243, MONDO:0019625.
Aortic aneurysm, familial thoracic 4 (AAT4). Also called: AORTIC ANEURYSM/AORTIC DISSECTION AND PATENT DUCTUS ARTERIOSUS. Identifiers: MedGen C1851504, MONDO:0007568, OMIM 132900.
Megacystis-microcolon-intestinal hypoperistalsis syndrome 2. Identifiers: MedGen C5543476, MONDO:0025708, OMIM 619351.
Visceral myopathy 2. Identifiers: MedGen C5543466, MONDO:0859157, OMIM 619350.

Allele frequency attached by ClinVar (database versions not stated): gnomAD 0.00001; ExAC 0.00005; 1000 Genomes Project 30x 0.00031; 1000 Genomes Project 0.00040.
gnomAD v4.1: 22 of 1,613,560 alleles (0.0014%); highest among the groups gnomAD compares: South Asian, 0.023%; no homozygotes.

Submissions (3):

Color Diagnostics, LLC DBA Color Health
Classification: Uncertain significance for Familial thoracic aortic aneurysm and aortic dissection. Last evaluated: 2022-02-03. Review status: criteria provided, single submitter. Criteria: ACMG Guidelines, 2015. Collection method: clinical testing. Allele origin: germline.
Comment: This variant causes a G to C nucleotide substitution at the -8 position of intron 13 of the MYH11 gene. Splice prediction tools and conservation analysis are inconclusive regarding the impact of this variant on RNA splicing. To our knowledge, functional studies have not been reported for this variant. This variant has not been reported in individuals affected with cardiovascular disorders in the literature. This variant has been identified in 8/251438 chromosomes in the general population by the Genome Aggregation Database (gnomAD). The available evidence is insufficient to determine the role of this variant in disease conclusively. Therefore, this variant is classified as a Variant of Uncertain Significance.

Fulgent Genetics
Classification: Uncertain significance for Aortic aneurysm, familial thoracic 4; Visceral myopathy 2; Megacystis-microcolon-intestinal hypoperistalsis syndrome 2. Last evaluated: 2021-12-22. Review status: criteria provided, single submitter. Criteria: ACMG Guidelines, 2015. Collection method: clinical testing. Allele origin: unknown.

Center for Genomics, Ann and Robert H. Lurie Children's Hospital of Chicago
Classification: Uncertain significance for Megacystis-microcolon-intestinal hypoperistalsis syndrome 2; Aortic aneurysm, familial thoracic 4; Visceral myopathy 2. Review status: criteria provided, single submitter. Criteria: ACMG Guidelines, 2015. Collection method: clinical testing. Allele origin: germline.
Comment: This variant has not been reported in the literature but is present in the Genome Aggregation Database (Highest reported MAF: 0.02% [8/30616]), and in ClinVar (Variation ID:920312). Although this variant occurs in the splice region, computational prediction tools do not suggest that it alters splicing. However, further studies are needed to understand its impact. In summary, data on this variant is insufficient for disease classification. Therefore, the clinical significance of this variant is uncertain.

NM_002474.3(MYH11):c.1402-8G>C

Gene: MYH11 (myosin heavy chain 11; minus strand). Cytogenetic location: 16p13.11.
Variant type: single nucleotide variant.
Coding change: c.1402-8G>C on transcript NM_002474.3 (MANE Select); 8 bases into the intron before coding-DNA position 1402, G replaced by C.
Molecular consequence: intron variant.
Genome position (GRCh38, 1-based): chr16:15,758,008, C>G on the plus strand (G>C on the coding strand, the complement: MYH11 is on the minus strand). VCF-style: chr16-15758008-C-G. GRCh37 (hg19) VCF-style: chr16-15851865-C-G.
Other names: c.1402-8G>C (NM_022844.3); c.1423-8G>C (NM_001040114.2, NM_001040113.2).
Identifiers: ClinVar variation 920312 (VCV000920312.8), dbSNP rs529694413, ClinGen allele CA7922610.
Genomic context (GRCh38, chr16:15,758,008, plus strand): 5'-TGCTGCAGCTTCTCGTTGGTGTAGTTGATGCACAGCTGCTCGAAGGAGTTCACCTGAGCA[C>G]ATGGCGTGGGGGCGGGGCGTGAGCATCTTGGTATGAAGTCAGAAGACAAGGAGCCCCACA-3'